The following is an entry in ClinVar:

ClinVar aggregate classification (germline): Benign/Likely benign. Review status: criteria provided, multiple submitters, no conflicts (2 of 4 stars). 3 submissions from 3 submitters: Benign (1); Likely benign (2). Last evaluated 2025-10-08.

Conditions:
BAP1-related tumor predisposition syndrome (TPDS1). Also called: Tumor susceptibility linked to germline BAP1 mutations; BAP1 tumor predisposition syndrome; COMMON Syndrome; TUMOR PREDISPOSITION SYNDROME 1. Identifiers: Orphanet 289539, MedGen C3280492, MONDO:0013692, OMIM 614327.
Hereditary cancer-predisposing syndrome. Also called: Hereditary Cancer Syndrome; Neoplastic Syndromes, Hereditary; Tumor predisposition; Hereditary neoplastic syndrome. Identifiers: Orphanet 140162, MedGen C0027672, MeSH D009386, MONDO:0015356.

Allele frequency attached by ClinVar (database versions not stated): ExAC 0.00001; gnomAD exomes 0.00001.

Submissions (3):

Labcorp Genetics (formerly Invitae), Labcorp
Classification: Likely benign for BAP1-related tumor predisposition syndrome. Last evaluated: 2025-10-08. Review status: criteria provided, single submitter. Criteria: Invitae Variant Classification Sherloc (09022015). Collection method: clinical testing. Allele origin: germline.

Myriad Genetics, Inc.
Classification: Benign for BAP1-related tumor predisposition syndrome. Last evaluated: 2024-07-15. Review status: criteria provided, single submitter. Criteria: Myriad Autosomal Dominant, Autosomal Recessive and X-Linked Classification Criteria (2023). Collection method: clinical testing. Allele origin: unknown.
Comment: This variant is considered benign. This variant is intronic and is not expected to impact mRNA splicing. This variant has been observed at a population frequency that is significantly greater than expected given the associated disease prevalence and penetrance.

Color Diagnostics, LLC DBA Color Health
Classification: Likely benign for Hereditary cancer-predisposing syndrome. Last evaluated: 2017-09-08. Review status: criteria provided, single submitter. Criteria: ACMG Guidelines, 2015. Collection method: clinical testing. Allele origin: germline.

NM_004656.4(BAP1):c.1117-15T>C

Gene: BAP1 (BRCA1 associated deubiquitinase 1; minus strand). Cytogenetic location: 3p21.1.
Variant type: single nucleotide variant.
Coding change: c.1117-15T>C on transcript NM_004656.4 (MANE Select); 15 bases into the intron before coding-DNA position 1117, T replaced by C.
Molecular consequence: intron variant.
Genome position (GRCh38, 1-based): chr3:52,404,601, A>G on the plus strand (T>C on the coding strand, the complement: BAP1 is on the minus strand). VCF-style: chr3-52404601-A-G. GRCh37 (hg19) VCF-style: chr3-52438617-A-G.
Identifiers: ClinVar variation 490770 (VCV000490770.12), dbSNP rs746597746, ClinGen allele CA2436899.